The following is an entry in ClinVar:

ClinVar aggregate classification (germline): Uncertain significance (1 of 4 stars; one submission).

Allele frequency attached by ClinVar (database versions not stated): gnomAD 0.00001; TOPMed 0.00002; ExAC 0.00003.
gnomAD v4.1: 17 of 1,613,744 alleles (0.0011%); highest among the groups gnomAD compares: Admixed American, 0.028%; no homozygotes.

Submission:

Labcorp Genetics (formerly Invitae), Labcorp
Classification: Uncertain significance. Last evaluated: 2022-03-04. Review status: criteria provided, single submitter. Criteria: Invitae Variant Classification Sherloc (09022015). Collection method: clinical testing. Allele origin: germline.
Comment: This variant is present in population databases (rs780874989, gnomAD 0.03%). This sequence change replaces alanine, which is neutral and non-polar, with glutamic acid, which is acidic and polar, at codon 2112 of the ZDBF2 protein (p.Ala2112Glu). This variant has not been reported in the literature in individuals affected with ZDBF2-related conditions. Algorithms developed to predict the effect of missense changes on protein structure and function output the following: SIFT: "Tolerated"; PolyPhen-2: "Possibly Damaging"; Align-GVGD: "Class C0". The glutamic acid amino acid residue is found in multiple mammalian species, which suggests that this missense change does not adversely affect protein function. In summary, the available evidence is currently insufficient to determine the role of this variant in disease. Therefore, it has been classified as a Variant of Uncertain Significance.

NM_020923.3(ZDBF2):c.6335C>A (p.Ala2112Glu)

Gene: ZDBF2 (zinc finger DBF-type containing 2; plus strand). Cytogenetic location: 2q33.3.
Variant type: single nucleotide variant.
Coding change: c.6335C>A on transcript NM_020923.3 (MANE Select); coding-DNA position 6335, C replaced by A.
Protein change: p.Ala2112Glu; replaces alanine 2112 with glutamic acid.
Molecular consequence: missense variant.
Genome position (GRCh38, 1-based): chr2:206,310,863, C>A. VCF-style: chr2-206310863-C-A. GRCh37 (hg19) VCF-style: chr2-207175587-C-A.
Other names: c.6329C>A, p.Ala2110Glu (NM_001285549.2); c.6335C>A, p.Ala2112Glu (NM_001369654.1); short protein forms A2110E, A2112E.
Identifiers: ClinVar variation 2183082 (VCV002183082.4), dbSNP rs780874989, ClinGen allele CA2072629.